The following is an entry in ClinVar:

ClinVar aggregate classification (germline): Benign/Likely benign. Review status: criteria provided, multiple submitters, no conflicts (2 of 4 stars). 2 submissions from 2 submitters: Benign (1); Likely benign (1). Last evaluated 2018-11-12.

Allele frequency attached by ClinVar (database versions not stated): 1000 Genomes Project 0.36342; 1000 Genomes Project 30x 0.36384; TOPMed 0.40478; ESP Exome Variant Server 0.43079.

Submissions (2):

GeneDx
Classification: Benign. Last evaluated: 2018-11-12. Review status: criteria provided, single submitter. Criteria: GeneDx Variant Classification Process June 2021. Collection method: clinical testing. Allele origin: germline. Affected: yes.
Comment: This variant is associated with the following publications: (PMID: 12655556)

Breakthrough Genomics
Classification: Likely benign. Review status: criteria provided, single submitter. Criteria: ACMG Guidelines, 2015. Collection method: not provided. Allele origin: germline. Inheritance: Autosomal recessive inheritance. Affected: yes.

NC_000017.11:g.63918844T>C

Genes: GH-LCR (growth hormone locus control region; plus strand), GH1 (growth hormone 1; minus strand). Cytogenetic location: 17q23.3.
Variant type: single nucleotide variant.
Genome position: GRCh38 VCF-style: chr17-63918844-T-C. GRCh37 (hg19) VCF-style: chr17-61996204-T-C.
Identifiers: ClinVar variation 369220 (VCV000369220.8), dbSNP rs6171, ClinGen allele CA10654562.
Genomic context (GRCh38, chr17:63,918,844, plus strand): 5'-AGGTGAGCTGTCCACAGGACCCTGAGTGGTTCGGGGAGTTGGGCCTTGGGATCCTTGAGC[T>C]GGTCTCTTGTGGGCCCTTTTTATACCCTGGCCCCTTCTCTCCCACTGTTGACCCCACCTG-3'